The following is an entry in ClinVar:

ClinVar aggregate classification (germline): Conflicting classifications of pathogenicity. Review status: criteria provided, conflicting classifications (1 of 4 stars). 6 submissions from 6 submitters: Uncertain significance (1); Benign (1); Likely benign (2). 2 of the submissions do not count toward it. Last evaluated 2026-02-02.

Conditions:
Epidermolysis bullosa dystrophica. Also called: Dystrophic epidermolysis bullosa, Hallopeau-Siemens type (formerly); Dystrophic epidermolysis bullosa. Identifiers: Orphanet 303, MedGen C0079294, MONDO:0006543.
Recessive dystrophic epidermolysis bullosa (RDEB). Also called: DYSTROPHIC EPIDERMOLYSIS BULLOSA, AUTOSOMAL RECESSIVE; EPIDERMOLYSIS BULLOSA DYSTROPHICA, HALLOPEAU-SIEMENS TYPE; severe generalized recessive dystrophic epidermolysis bullosa; EPIDERMOLYSIS BULLOSA DYSTROPHICA, GENERALIZED SEVERE, AUTOSOMAL RECESSIVE; Epidermolysis Bullosa Distrophica Autosomal Recessive (RDEB); Hallopeau-Siemens Disease. Identifiers: Orphanet 79408, Orphanet 79409, MedGen C0079474, MONDO:0009179, OMIM 226600.
COL7A1-related disorder. Also called: COL7A1- related disorders; COL7A1-related condition.

Allele frequency attached by ClinVar (database versions not stated): TOPMed 0.00045; gnomAD 0.00056 and 0.00057; ESP Exome Variant Server 0.00062.
gnomAD v4.1: 823 of 1,612,200 alleles (0.051%); highest among the groups gnomAD compares: Middle Eastern, 0.033%; 7 homozygotes.

Submissions (6):

Labcorp Genetics (formerly Invitae), Labcorp
Classification: Benign. Last evaluated: 2026-02-02. Review status: criteria provided, single submitter. Criteria: Invitae Variant Classification Sherloc (09022015). Collection method: clinical testing. Allele origin: germline.

CeGaT Center for Human Genetics Tuebingen
Classification: Likely benign. Last evaluated: 2024-07-01. Review status: criteria provided, single submitter. Criteria: CeGaT Center For Human Genetics Tuebingen Variant Classification Criteria Version 2. Collection method: clinical testing. Allele origin: germline. Affected: yes. Observed: 1 variant allele.
Comment: COL7A1: BP4, BS2

Department of Pathology and Laboratory Medicine, Sinai Health System
Classification: Likely benign for recessive dystrophic epidermolysis bullosa. Last evaluated: 2021-07-30. Review status: criteria provided, single submitter. Criteria: ACMG Guidelines, 2015. Collection method: research. Allele origin: germline.

Illumina Laboratory Services, Illumina
Classification: Uncertain significance for Dystrophic epidermolysis bullosa. Last evaluated: 2018-01-12. Review status: criteria provided, single submitter. Criteria: ICSL Variant Classification Criteria 13 December 2019. Collection method: clinical testing. Allele origin: germline.

Natera, Inc.
Classification: Benign for Dystrophic epidermolysis bullosa. Last evaluated: 2020-06-04. Review status: no assertion criteria provided. Collection method: clinical testing. Allele origin: germline. Not counted in ClinVar's aggregate classification.

PreventionGenetics, part of Exact Sciences
Classification: Benign for COL7A1-related condition. Last evaluated: 2019-04-02. Review status: no assertion criteria provided. Collection method: clinical testing. Allele origin: germline. Not counted in ClinVar's aggregate classification.
Comment: This variant is classified as benign based on ACMG/AMP sequence variant interpretation guidelines (Richards et al. 2015 PMID: 25741868, with internal and published modifications).

NM_000094.4(COL7A1):c.8504G>A (p.Arg2835His)

Gene: COL7A1 (collagen type VII alpha 1 chain; minus strand). Cytogenetic location: 3p21.31.
Variant type: single nucleotide variant.
Coding change: c.8504G>A on transcript NM_000094.4 (MANE Select); coding-DNA position 8504, G replaced by A.
Protein change: p.Arg2835His; replaces arginine 2835 with histidine.
Molecular consequence: missense variant.
Genome position (GRCh38, 1-based): chr3:48,565,433, C>T on the plus strand (G>A on the coding strand, the complement: COL7A1 is on the minus strand). VCF-style: chr3-48565433-C-T. GRCh37 (hg19) VCF-style: chr3-48602866-C-T.
Other names: short protein forms R2835H.
Identifiers: ClinVar variation 345793 (VCV000345793.36), dbSNP rs139014122, ClinGen allele CA2377977.